The following is an entry in ClinVar:

NM_000416.3(IFNGR1):c.1092C>T (p.Asp364=)

Gene: IFNGR1 (interferon gamma receptor 1; minus strand). Cytogenetic location: 6q23.3.
Variant type: single nucleotide variant.
Coding change: c.1092C>T on transcript NM_000416.3 (MANE Select); coding-DNA position 1092, C replaced by T.
Protein change: p.Asp364=; no amino-acid change (aspartic acid 364 retained).
Molecular consequence: synonymous variant.
Genome position (GRCh38, 1-based): chr6:137,198,409, G>A on the plus strand (C>T on the coding strand, the complement: IFNGR1 is on the minus strand). VCF-style: chr6-137198409-G-A. GRCh37 (hg19) VCF-style: chr6-137519546-G-A.
Other names: c.1062C>T, p.Asp354= (NM_001363526.1); c.969C>T, p.Asp323= (NM_001363527.1); c.1092C>T (NM_000416.2).
Identifiers: ClinVar variation 1110839 (VCV001110839.14), dbSNP rs763084442, ClinGen allele CA4018815.

ClinVar aggregate classification (germline): Likely benign. Review status: criteria provided, multiple submitters, no conflicts (2 of 4 stars). 4 submissions from 4 submitters: Likely benign (3). 1 of the submissions does not count toward it. Last evaluated 2025-11-27.

Conditions:
IFNGR1-related disorder. Also called: IFNGR1-related condition.
Disseminated atypical mycobacterial infection. Identifiers: MedGen C0694566.

Allele frequency attached by ClinVar (database versions not stated): gnomAD 0.00002 and 0.00005; TOPMed 0.00002; gnomAD exomes 0.00013; ExAC 0.00016.

Submissions (4):

Labcorp Genetics (formerly Invitae), Labcorp
Classification: Likely benign for Disseminated atypical mycobacterial infection. Last evaluated: 2025-11-27. Review status: criteria provided, single submitter. Criteria: Invitae Variant Classification Sherloc (09022015). Collection method: clinical testing. Allele origin: germline.

Blueprint Genetics
Classification: Likely benign. Last evaluated: 2023-12-22. Review status: criteria provided, single submitter. Criteria: ACMG Guidelines, 2015. Collection method: clinical testing. Allele origin: germline.

Breakthrough Genomics
Classification: Likely benign. Review status: criteria provided, single submitter. Criteria: ACMG Guidelines, 2015. Collection method: not provided. Allele origin: germline. Inheritance: Autosomal recessive inheritance. Affected: yes.

PreventionGenetics, part of Exact Sciences
Classification: Likely benign for IFNGR1-related condition. Last evaluated: 2023-10-04. Review status: no assertion criteria provided. Collection method: clinical testing. Allele origin: germline. Not counted in ClinVar's aggregate classification.
Comment: This variant is classified as likely benign based on ACMG/AMP sequence variant interpretation guidelines (Richards et al. 2015 PMID: 25741868, with internal and published modifications).